The following is an entry in ClinVar:

ClinVar aggregate classification (germline): Conflicting classifications of pathogenicity. Review status: criteria provided, conflicting classifications (1 of 4 stars). 3 submissions from 3 submitters: Uncertain significance (1); Likely benign (2). Last evaluated 2025-04-25.

Conditions:
Hereditary cancer-predisposing syndrome. Also called: Hereditary Cancer Syndrome; Hereditary neoplastic syndrome; Neoplastic Syndromes, Hereditary; Tumor predisposition. Identifiers: Orphanet 140162, MedGen C0027672, MeSH D009386, MONDO:0015356.
Familial cancer of breast. Also called: BREAST CANCER, FAMILIAL; Hereditary breast cancer; hereditary breast carcinoma. Identifiers: Orphanet 227535, MedGen C0346153, MONDO:0016419, OMIM 114480. Disease mechanism: loss of function.

Submissions (3):

Ambry Genetics
Classification: Uncertain significance for Hereditary cancer-predisposing syndrome. Last evaluated: 2025-04-25. Review status: criteria provided, single submitter. Criteria: Ambry Variant Classification Scheme 2023. Collection method: clinical testing. Allele origin: germline.
Comment: The c.445-5T>C intronic variant results from a T to C substitution 5 nucleotides upstream from coding exon 3 in the CHEK2 gene. This nucleotide position is well conserved in available vertebrate species. In silico splice site analysis predicts that this alteration will not have any significant effect on splicing. Based on the available evidence, the clinical significance of this variant remains unclear.

Myriad Genetics, Inc.
Classification: Likely benign for Familial cancer of breast. Last evaluated: 2024-10-02. Review status: criteria provided, single submitter. Criteria: Myriad Autosomal Dominant, Autosomal Recessive and X-Linked Classification Criteria (2023). Collection method: clinical testing. Allele origin: unknown.
Comment: This variant is considered likely benign. This variant is intronic and is not expected to impact mRNA splicing.

Labcorp Genetics (formerly Invitae), Labcorp
Classification: Likely benign for Familial cancer of breast. Last evaluated: 2024-02-24. Review status: criteria provided, single submitter. Criteria: Invitae Variant Classification Sherloc (09022015). Collection method: clinical testing. Allele origin: germline.

NM_007194.4(CHEK2):c.445-5T>C

Gene: CHEK2 (checkpoint kinase 2; minus strand). Cytogenetic location: 22q12.1.
Variant type: single nucleotide variant.
Coding change: c.445-5T>C on transcript NM_007194.4 (MANE Select); 5 bases into the intron before coding-DNA position 445, T replaced by C.
Molecular consequence: intron variant.
Genome position (GRCh38, 1-based): chr22:28,725,129, A>G on the plus strand (T>C on the coding strand, the complement: CHEK2 is on the minus strand). VCF-style: chr22-28725129-A-G. GRCh37 (hg19) VCF-style: chr22-29121117-A-G.
Other names: c.-219-5T>C (NM_001437942.1); c.444+114T>C (NM_001349956.3); c.445-5T>C (NM_145862.3); c.-333-5T>C (NM_001257387.3); c.538-5T>C (NM_001438295.1, NM_001438293.1); c.574-5T>C (NM_001438294.1, NM_001005735.3).
Identifiers: ClinVar variation 1448626 (VCV001448626.11), dbSNP rs1555927050, ClinGen allele CA2573158016.
Genomic context (GRCh38, chr22:28,725,129, plus strand): 5'-CCATTGCCACTGTGATCTTCTATGTATGCAATGTAAGAGTTTTTAGGACCCACTTCCTAA[A>G]ATAGAGAACATTTTGTTTCAGACTTTGAATAGCAGAGATTTATAGTGGGAAAATATCTAA-3'